The following is an entry in ClinVar:

NM_052947.4(ALPK2):c.2836C>T (p.Leu946Phe)

Gene: ALPK2 (alpha kinase 2; minus strand). Cytogenetic location: 18q21.31.
Variant type: single nucleotide variant.
Coding change: c.2836C>T on transcript NM_052947.4 (MANE Select); coding-DNA position 2836, C replaced by T.
Protein change: p.Leu946Phe; replaces leucine 946 with phenylalanine.
Molecular consequence: missense variant.
Genome position (GRCh38, 1-based): chr18:58,537,351, G>A on the plus strand (C>T on the coding strand, the complement: ALPK2 is on the minus strand). VCF-style: chr18-58537351-G-A. GRCh37 (hg19) VCF-style: chr18-56204583-G-A.
Other names: short protein forms L946F.
Identifiers: ClinVar variation 1796645 (VCV001796645.2), dbSNP rs1568078758, ClinGen allele CA402569670.

ClinVar aggregate classification (germline): Uncertain significance (1 of 4 stars; one submission).

Allele frequency attached by ClinVar (database versions not stated): gnomAD exomes below 0.00001; TOPMed below 0.00001; gnomAD 0.00001.
gnomAD v4.1: 3 of 1,613,926 alleles (0.00019%); highest among the groups gnomAD compares: Non-Finnish European, 0.00025%; no homozygotes.

Submission:

Ambry Genetics
Classification: Uncertain significance. Last evaluated: 2022-06-03. Review status: criteria provided, single submitter. Criteria: Ambry Variant Classification Scheme 2023. Collection method: clinical testing. Allele origin: germline.
Comment: The p.L946F variant (also known as c.2836C>T), located in coding exon 4 of the ALPK2 gene, results from a C to T substitution at nucleotide position 2836. The leucine at codon 946 is replaced by phenylalanine, an amino acid with highly similar properties. This amino acid position is conserved. In addition, this alteration is predicted to be tolerated by in silico analysis. Since supporting evidence is limited at this time, the clinical significance of this alteration remains unclear.